The following is an entry in ClinVar:

ClinVar aggregate classification (germline): Conflicting classifications of pathogenicity. Review status: criteria provided, conflicting classifications (1 of 4 stars). 10 submissions from 10 submitters: Uncertain significance (2); Benign (3); Likely benign (5). Last evaluated 2026-08-01.

Conditions:
Familial hypercholesterolemia. Also called: Familial hypercholesterolemias; Familial hypercholesterolaemia. Identifiers: MedGen C0020445, MONDO:0005439.
Hypercholesterolemia, familial, 1. Also called: LDL RECEPTOR DISORDER; Hyperlipoproteinemia Type IIa; HYPER-LOW-DENSITY-LIPOPROTEINEMIA; HYPERCHOLESTEROLEMIC XANTHOMATOSIS, FAMILIAL; Fredrickson type IIa hyperlipoproteinemia; Hyperlipoproteinemia type 2. Identifiers: Orphanet 391665, MedGen C0745103, MONDO:0007750, OMIM 143890.
Cardiovascular phenotype. Identifiers: MedGen CN230736.
Hypercholesterolemia, autosomal dominant, type B (FHCL2). Also called: Hyperlipoproteinemia Type IIb; Familial hypercholesterolemia 2; APOB-Related Familial Hypercholesterolemia, Autosomal Dominant; HYPERCHOLESTEROLEMIA, FAMILIAL, DUE TO LIGAND-DEFECTIVE APOLIPOPROTEIN B; Familial Hypercholesterolemia Type B; APOLIPOPROTEIN B-100, FAMILIAL DEFECTIVE. Identifiers: MedGen C1704417, MONDO:0007751, OMIM 144010.
Familial hypobetalipoproteinemia 1. Also called: APOB-Related Familial Hypobetalipoproteinemia; Hypobetalipoproteinemia, normotriglyceridemic; Acanthocytosis with hypobetalipoproteinemia. Identifiers: MedGen C4551990, MONDO:0014252, OMIM 615558.

Allele frequency attached by ClinVar (database versions not stated): ExAC 0.00081; 1000 Genomes Project 0.00180; 1000 Genomes Project 30x 0.00219; gnomAD 0.00256; ESP Exome Variant Server 0.00269; TOPMed 0.00281.
gnomAD v4.1: 771 of 1,614,068 alleles (0.048%); highest among the groups gnomAD compares: African/African-American, 0.91%; 2 homozygotes.

Submissions (10):

CeGaT Center for Human Genetics Tuebingen
Classification: Likely benign. Last evaluated: 2026-08-01. Review status: criteria provided, single submitter. Criteria: CeGaT Center For Human Genetics Tuebingen Variant Classification Criteria Version 2. Collection method: clinical testing. Allele origin: germline. Affected: yes. Observed: 3 variant alleles.
Comment: APOB: BP4

Labcorp Genetics (formerly Invitae), Labcorp
Classification: Benign for Familial hypobetalipoproteinemia 1; Hypercholesterolemia, autosomal dominant, type B. Last evaluated: 2026-01-16. Review status: criteria provided, single submitter. Criteria: Invitae Variant Classification Sherloc (09022015). Collection method: clinical testing. Allele origin: germline.

Mayo Clinic Laboratories, Mayo Clinic
Classification: Likely benign. Last evaluated: 2025-04-14. Review status: criteria provided, single submitter. Criteria: ACMG Guidelines, 2015. Collection method: clinical testing. Allele origin: germline. Observed: 5 variant alleles.

ARUP Laboratories, Molecular Genetics and Genomics, ARUP Laboratories
Classification: Likely benign. Last evaluated: 2024-04-29. Review status: criteria provided, single submitter. Criteria: ARUP Molecular Germline Variant Investigation Process 2024. Collection method: clinical testing. Allele origin: germline.

GENinCode PLC
Classification: Benign for Familial hypercholesterolemia. Last evaluated: 2023-11-06. Review status: criteria provided, single submitter. Criteria: ACMG Guidelines, 2015. Collection method: clinical testing. Allele origin: germline.

Quest Diagnostics Nichols Institute San Juan Capistrano
Classification: Benign. Last evaluated: 2022-08-10. Review status: criteria provided, single submitter. Criteria: Quest Diagnostics criteria. Collection method: clinical testing. Allele origin: unknown.

Molecular Diagnostic Laboratory for Inherited Cardiovascular Disease, Montreal Heart Institute
Classification: Likely benign. Last evaluated: 2020-01-23. Review status: criteria provided, single submitter. Criteria: ACMG Guidelines, 2015. Collection method: clinical testing. Allele origin: germline. Affected: yes.

Ambry Genetics
Classification: Likely benign for Cardiovascular phenotype. Last evaluated: 2018-12-03. Review status: criteria provided, single submitter. Criteria: Ambry Variant Classification Scheme 2023. Collection method: clinical testing. Allele origin: germline.

Laboratory of Genetics and Molecular Cardiology, University of São Paulo
Classification: Uncertain significance for Familial hypercholesterolemia. Last evaluated: 2016-03-01. Review status: criteria provided, single submitter. Criteria: ACMG Guidelines, 2015. Collection method: research. Allele origin: germline. Study: HipercolBrasil.

Robarts Research Institute, Western University
Classification: Uncertain significance for Hypercholesterolemia, familial, 1. Review status: criteria provided, single submitter. Criteria: Wang et al. (Arterioscler Thromb Vasc Biol. 2016). Collection method: clinical testing. Allele origin: germline. Inheritance: Autosomal dominant inheritance. Affected: yes. Observed: 1 variant allele.

Literature cited by the submitters: PubMed 35047021 (cited by Mayo Clinic Laboratories, Mayo Clinic and Quest Diagnostics Nichols Institute San Juan Capistrano); PubMed 19602640 (cited by Quest Diagnostics Nichols Institute San Juan Capistrano).

NM_000384.3(APOB):c.10061C>G (p.Ala3354Gly)

Gene: APOB (apolipoprotein B; minus strand). Cytogenetic location: 2p24.1.
Variant type: single nucleotide variant.
Coding change: c.10061C>G on transcript NM_000384.3 (MANE Select); coding-DNA position 10061, C replaced by G.
Protein change: p.Ala3354Gly; replaces alanine 3354 with glycine.
Molecular consequence: missense variant.
Genome position (GRCh38, 1-based): chr2:21,006,807, G>C on the plus strand (C>G on the coding strand, the complement: APOB is on the minus strand). VCF-style: chr2-21006807-G-C. GRCh37 (hg19) VCF-style: chr2-21229679-G-C.
Other names: p.Ala3354Gly; short protein forms A3354G.
Identifiers: ClinVar variation 369882 (VCV000369882.27), dbSNP rs61742331, ClinGen allele CA042354.